The following is an entry in ClinVar:

NM_198994.3(TGM6):c.484G>A (p.Gly162Ser)

Gene: TGM6 (transglutaminase 6; plus strand). Cytogenetic location: 20p13.
Variant type: single nucleotide variant.
Coding change: c.484G>A on transcript NM_198994.3 (MANE Select); coding-DNA position 484, G replaced by A.
Protein change: p.Gly162Ser; replaces glycine 162 with serine.
Molecular consequence: missense variant.
Genome position (GRCh38, 1-based): chr20:2,396,565, G>A. VCF-style: chr20-2396565-G-A. GRCh37 (hg19) VCF-style: chr20-2377211-G-A.
Other names: c.484G>A, p.Gly162Ser (NM_001254734.2); short protein forms G162S.
Identifiers: ClinVar variation 3029185 (VCV003029185.2), dbSNP rs992743590, ClinGen allele CA310836355.
Genomic context (GRCh38, chr20:2,396,565, plus strand): 5'-GAGGACGATGTGTTTCTGGCCTCAGAGGAGGAGAGACAGGAGTACGTGCTCAGCGACAGC[G>A]GCATCATCTTCCGAGGCGTGGAGAAGCACATACGAGCCCAGGGCTGGAACTACGGGCAGG-3'
Protein context (NP_945345.2, residues 152-172): ERQEYVLSDS[Gly162Ser]IIFRGVEKHI

ClinVar aggregate classification (germline): Uncertain significance (0 of 4 stars; one submission).

Conditions:
TGM6-related disorder. Also called: TGM6-related condition.

Allele frequency attached by ClinVar (database versions not stated): gnomAD 0.00002; TOPMed 0.00003.
gnomAD v4.1: 26 of 1,614,108 alleles (0.0016%); highest among the groups gnomAD compares: Middle Eastern, 0.016%; no homozygotes.

Submission:

PreventionGenetics, part of Exact Sciences
Classification: Uncertain significance for TGM6-related condition. Last evaluated: 2023-10-31. Review status: no assertion criteria provided. Collection method: clinical testing. Allele origin: germline.
Comment: The TGM6 c.484G>A variant is predicted to result in the amino acid substitution p.Gly162Ser. To our knowledge, this variant has not been reported in the literature. This variant is reported in 0.0029% of alleles in individuals of Latino descent in gnomAD. At this time, the clinical significance of this variant is uncertain due to the absence of conclusive functional and genetic evidence.